The following is an entry in ClinVar:

NM_144997.7(FLCN):c.1630G>A (p.Glu544Lys)

Gene: FLCN (folliculin; minus strand). Cytogenetic location: 17p11.2.
Variant type: single nucleotide variant.
Coding change: c.1630G>A on transcript NM_144997.7 (MANE Select); coding-DNA position 1630, G replaced by A.
Protein change: p.Glu544Lys; replaces glutamic acid 544 with lysine.
Molecular consequence: missense variant.
Genome position (GRCh38, 1-based): chr17:17,213,765, C>T on the plus strand (G>A on the coding strand, the complement: FLCN is on the minus strand). VCF-style: chr17-17213765-C-T. GRCh37 (hg19) VCF-style: chr17-17117079-C-T.
Other names: c.1684G>A, p.Glu562Lys (NM_001353229.2); c.1630G>A, p.Glu544Lys (NM_001353230.2, NM_001353231.2); short protein forms E562K, E544K.
Identifiers: ClinVar variation 1776825 (VCV001776825.2), dbSNP rs2144809664, ClinGen allele CA398529982.
Genomic context (GRCh38, chr17:17,213,765, plus strand): 5'-GTGACTTGTAGGTCTTGCTCAGGCCAGTCATCCAGAACTTCAGCAGCTTGACATTGTCCT[C>T]CTCGGACGCACCCAGGATGCTCAGCAGCTTCTGTGTGTCCTCTTTGGGTCGACTGTCCAC-3'
Protein context (NP_659434.2, residues 534-554): KLLSILGASE[Glu544Lys]DNVKLLKFWM

ClinVar aggregate classification (germline): Uncertain significance (1 of 4 stars; one submission).

Conditions:
Hereditary cancer-predisposing syndrome. Also called: Neoplastic Syndromes, Hereditary; Tumor predisposition; Hereditary Cancer Syndrome; Hereditary neoplastic syndrome. Identifiers: Orphanet 140162, MedGen C0027672, MeSH D009386, MONDO:0015356.

Submission:

Ambry Genetics
Classification: Uncertain significance for Hereditary cancer-predisposing syndrome. Last evaluated: 2022-02-27. Review status: criteria provided, single submitter. Criteria: Ambry Variant Classification Scheme 2023. Collection method: clinical testing. Allele origin: germline.
Comment: The p.E544K variant (also known as c.1630G>A), located in coding exon 11 of the FLCN gene, results from a G to A substitution at nucleotide position 1630. The glutamic acid at codon 544 is replaced by lysine, an amino acid with similar properties. This amino acid position is conserved. In addition, this alteration is predicted to be deleterious by in silico analysis. Since supporting evidence is limited at this time, the clinical significance of this alteration remains unclear.